The following is an entry in ClinVar:

ClinVar aggregate classification (germline): Pathogenic (1 of 4 stars; one submission).

Submission:

Labcorp Genetics (formerly Invitae), Labcorp
Classification: Pathogenic. Last evaluated: 2023-09-27. Review status: criteria provided, single submitter. Criteria: Invitae Variant Classification Sherloc (09022015). Collection method: clinical testing. Allele origin: germline.
Comment: For these reasons, this variant has been classified as Pathogenic. This premature translational stop signal has been observed in individual(s) with clinical features of combined immunodeficiency (PMID: 30254128). This variant is not present in population databases (gnomAD no frequency). This sequence change creates a premature translational stop signal (p.Trp86*) in the ARPC1B gene. It is expected to result in an absent or disrupted protein product. Loss-of-function variants in ARPC1B are known to be pathogenic (PMID: 27965109, 28368018, 29127144).

Literature cited by the submitters: PubMed 30254128; PubMed 27965109; PubMed 28368018; PubMed 29127144.

NM_005720.4(ARPC1B):c.258del (p.Thr85_Trp86insTer)

Gene: ARPC1B (actin related protein 2/3 complex subunit 1B; plus strand). Cytogenetic location: 7q22.1.
Variant type: Deletion.
Coding change: c.258del on transcript NM_005720.4 (MANE Select); coding-DNA position 258, one base deleted (G; older notation c.258delG).
Protein change: p.Thr85_Trp86insTer.
Molecular consequence: nonsense.
Genome position (GRCh38, 1-based): chr7:99,388,127, G deleted; the last of 2 consecutive G bases (chr7:99,388,126-99,388,127); deleting either gives the same sequence. VCF-style (leftmost placement, unchanged base first): chr7-99388125-TG-T. GRCh37 (hg19) VCF-style: chr7-98985748-TG-T.
Identifiers: ClinVar variation 2799445 (VCV002799445.3), dbSNP rs2484634669, ClinGen allele CA2739277867.
Genomic context (GRCh38, chr7:99,388,125, plus strand): 5'-CGTATTGTGACCTGCGGCACAGACCGCAACGCCTACGTGTGGACGCTGAAGGGCCGCACA[TG>T]GAAGCCCACGCTGGTCATCCTGCGGATCAACCGGGCTGCCCGCTGCGTGCGCTGGGCCCC-3'